The following is an entry in ClinVar:

NM_000044.6(AR):c.217C>T (p.Gln73Ter)

Genes: AR (androgen receptor; plus strand), LOC109504725 (androgen receptor repeat instability region; plus strand). Cytogenetic location: Xq12.
Variant type: single nucleotide variant.
Coding change: c.217C>T on transcript NM_000044.6 (MANE Select); coding-DNA position 217, C replaced by T.
Protein change: p.Gln73Ter; replaces glutamine 73 with a stop codon.
Molecular consequence: nonsense. On other transcripts: 5 prime UTR variant (1).
Genome position (GRCh38, 1-based): chrX:67,545,363, C>T. VCF-style: chrX-67545363-C-T. GRCh37 (hg19) VCF-style: chrX-66765205-C-T.
Other names: c.-1567C>T (NM_001011645.3); c.217C>T, p.Gln73Ter (NM_001348061.1, NM_001348063.1, NM_001348064.1); short protein forms Q73*.
Identifiers: ClinVar variation 492776 (VCV000492776.3), dbSNP rs1199988820, ClinGen allele CA413424050.

ClinVar aggregate classification (germline): Pathogenic. Review status: criteria provided, single submitter (1 of 4 stars). 2 submissions from 2 submitters: Pathogenic (1). 1 of the submissions does not count toward it. Last evaluated 2024-09-24.

Conditions:
Androgen resistance syndrome (AIS). Also called: Androgen insensitivity, complete; Androgen insensitivity syndrome; DHTR DEFICIENCY; ANDROGEN RECEPTOR DEFICIENCY; DIHYDROTESTOSTERONE RECEPTOR DEFICIENCY; TESTICULAR FEMINIZATION SYNDROME. Identifiers: Orphanet 754, Orphanet 99429, MedGen C0039585, MONDO:0019154, OMIM 300068. Disease mechanism: loss of function.
Kennedy disease (SMAX1). Also called: Spinal and Bulbar Muscular Atrophy; SPINAL AND BULBAR MUSCULAR ATROPHY, X-LINKED 1; KENNEDY SPINAL AND BULBAR MUSCULAR ATROPHY. Identifiers: Orphanet 481, MedGen C1839259, MONDO:0010735, OMIM 313200.

Submissions (2):

Labcorp Genetics (formerly Invitae), Labcorp
Classification: Pathogenic for Kennedy disease; Androgen resistance syndrome. Last evaluated: 2024-09-24. Review status: criteria provided, single submitter. Criteria: Invitae Variant Classification Sherloc (09022015). Collection method: clinical testing. Allele origin: germline.
Comment: This sequence change creates a premature translational stop signal (p.Gln73*) in the AR gene. It is expected to result in an absent or disrupted protein product. Loss-of-function variants in AR are known to be pathogenic (PMID: 19463997). This variant is not present in population databases (gnomAD no frequency). This variant has not been reported in the literature in individuals affected with AR-related conditions. ClinVar contains an entry for this variant (Variation ID: 492776). For these reasons, this variant has been classified as Pathogenic.

Clinical Molecular Genetics Laboratory, Johns Hopkins All Children's Hospital
Classification: Pathogenic for Androgen resistance syndrome. Last evaluated: 2003-12-08. Review status: no assertion criteria provided. Collection method: clinical testing. Allele origin: germline. Affected: yes. Not counted in ClinVar's aggregate classification.

Literature cited by the submitters: PubMed 19463997 (cited by Labcorp Genetics (formerly Invitae), Labcorp).